The following is an entry in ClinVar:

NM_001365999.1(SZT2):c.5138G>A (p.Gly1713Asp)

Gene: SZT2 (SZT2 subunit of KICSTOR complex; plus strand). Cytogenetic location: 1p34.2.
Variant type: single nucleotide variant.
Coding change: c.5138G>A on transcript NM_001365999.1 (MANE Select); coding-DNA position 5138, G replaced by A.
Protein change: p.Gly1713Asp; replaces glycine 1713 with aspartic acid.
Molecular consequence: missense variant.
Genome position (GRCh38, 1-based): chr1:43,431,765, G>A. VCF-style: chr1-43431765-G-A. GRCh37 (hg19) VCF-style: chr1-43897436-G-A.
Other names: c.4967G>A, p.Gly1656Asp (NM_015284.4); short protein forms G1713D, G1656D.
Identifiers: ClinVar variation 1368300 (VCV001368300.8), dbSNP rs1275717817, ClinGen allele CA340023483.

ClinVar aggregate classification (germline): Uncertain significance (1 of 4 stars; one submission).

gnomAD v4.1: 1 of 1,614,216 alleles (0.000062%); highest among the groups gnomAD compares: Non-Finnish European, 0.000085%; no homozygotes.

Submission:

Labcorp Genetics (formerly Invitae), Labcorp
Classification: Uncertain significance. Last evaluated: 2023-08-17. Review status: criteria provided, single submitter. Criteria: Invitae Variant Classification Sherloc (09022015). Collection method: clinical testing. Allele origin: germline.
Comment: In summary, the available evidence is currently insufficient to determine the role of this variant in disease. Therefore, it has been classified as a Variant of Uncertain Significance. Advanced modeling of protein sequence and biophysical properties (such as structural, functional, and spatial information, amino acid conservation, physicochemical variation, residue mobility, and thermodynamic stability) performed at Invitae indicates that this missense variant is not expected to disrupt SZT2 protein function. ClinVar contains an entry for this variant (Variation ID: 1368300). This variant has not been reported in the literature in individuals affected with SZT2-related conditions. This variant is not present in population databases (gnomAD no frequency). This sequence change replaces glycine, which is neutral and non-polar, with aspartic acid, which is acidic and polar, at codon 1656 of the SZT2 protein (p.Gly1656Asp).